The following is an entry in ClinVar:

NM_001323289.2(CDKL5):c.215T>C (p.Ile72Thr)

Gene: CDKL5 (cyclin dependent kinase like 5; plus strand). Cytogenetic location: Xp22.13.
Variant type: single nucleotide variant.
Coding change: c.215T>C on transcript NM_001323289.2 (MANE Select); coding-DNA position 215, T replaced by C.
Protein change: p.Ile72Thr; replaces isoleucine 72 with threonine.
Molecular consequence: missense variant.
Genome position (GRCh38, 1-based): chrX:18,575,423, T>C. VCF-style: chrX-18575423-T-C. GRCh37 (hg19) VCF-style: chrX-18593543-T-C.
Other names: p.I72T:ATT>ACT; NM_001323289.2(CDKL5):c.215T>C; c.215T>C, p.Ile72Thr (NM_001037343.2, NM_003159.3); short protein forms I72T.
Identifiers: ClinVar variation 11503 (VCV000011503.25), dbSNP rs62641235, ClinGen allele CA121523.

ClinVar aggregate classification (germline): Pathogenic. Review status: reviewed by expert panel (3 of 4 stars). 10 submissions from 10 submitters: Pathogenic (1). 9 of the submissions do not count toward it. Last evaluated 2021-03-26.

Conditions:
CDKL5 disorder. Identifiers: MedGen CN296942, MONDO:0100039.
Angelman syndrome-like. Identifiers: MedGen CN128785.
Developmental and epileptic encephalopathy, 2 (DEE2). Also called: INFANTILE SPASM SYNDROME, X-LINKED 2; CDKL5 deficiency disorder. Identifiers: Orphanet 1934, Orphanet 3451, Orphanet 505652, MedGen C4750718, MONDO:0010396, OMIM 300672.
Rett syndrome (RTT). Also called: AUTISM, DEMENTIA, ATAXIA, AND LOSS OF PURPOSEFUL HAND USE; Rett's disorder. Identifiers: Orphanet 3095, Orphanet 778, MedGen C0035372, MONDO:0010726, OMIM 312750.
Seizure. Also called: Seizures. Identifiers: MedGen C0036572, HP:0001250.

Submissions (10):

ClinGen Rett and Angelman-like Disorders Variant Curation Expert Panel
Classification: Pathogenic for CDKL5 disorder. Last evaluated: 2021-03-26. Review status: reviewed by expert panel. Criteria: ClinGen RettAS ACMG Specifications V1. Collection method: curation. Allele origin: germline. Inheritance: X-linked inheritance.
Comment: The p.Ile72Thr variant in CDKL5 has been reported as a de novo occurrence (biological parentage unconfirmed) in an individual with CDKL5 disease (PMID 19396824, 19241098) (PM6). The p.Ile72Thr variant in CDKL5 has been reported in at least 3 other individuals with CDKL5 disease (PMID 19396824, 19241098, 25657822, ClinVar) (PS4_moderate). The p.Ile72Thr variant in CDKL5 is absent from gnomAD (PM2). Multiple likely pathogenic missense variants have been previously identified within this codon (p.Ile72Asn; p.Ile72Met) which indicates that this residue is critical to the function of the protein (PMID 28074849, 27779742, 16015284) (PM5_strong). Phosphoproteomic screening of the cellular substrates of CDKL5 (MAP1S, CEP131 and DLG5) has shown that the p.Ile72Thr variant impacts protein function (PMID 30266825) (PS3_supporting). Computational prediction analysis tools suggests a deleterious impact; however, this information does not predict clinical significance on its own(PP3). In summary, the p.Ile72Thr variant in CDKL5 is classified as Pathogenic for CDKL5 disease based on the ACMG/AMP criteria (PM5_strong, PM6, PS4_moderate, PS3_supporting, PM2_supporting, PP3).

Medical and Scientific Branch, Hong Kong Genome Institute
Classification: Pathogenic for Developmental and epileptic encephalopathy, 2. Last evaluated: 2026-01-26. Review status: criteria provided, single submitter. Criteria: ACMG Guidelines, 2015. Collection method: clinical testing. Allele origin: unknown. Affected: yes. Not counted in ClinVar's aggregate classification.

3billion
Classification: Pathogenic for Developmental and epileptic encephalopathy, 2. Last evaluated: 2025-05-21. Review status: criteria provided, single submitter. Criteria: ACMG Guidelines, 2015. Collection method: clinical testing. Allele origin: germline. Affected: yes. Not counted in ClinVar's aggregate classification.
Comment: The variant is not observed in the gnomAD v4.1.0 dataset. Predicted Consequence/Location: Missense variant Functional studies provide supporting evidence of the variant having a damaging effect on the gene or gene product (PMID: 30266825). In silico tool predictions suggest damaging effect of the variant on gene or gene product [REVEL: 0.81 (>=0.6, sensitivity 0.68 and specificity 0.92); 3Cnet: 0.99 (> 0.75, sensitivity 0.96 and precision 0.92)]. The same nucleotide change resulting in the same amino acid change has been previously reported as pathogenic/likely pathogenic with strong evidence (ClinVar ID: VCV000011503 /PMID: 19396824). The variant has been previously reported as de novo in at least two similarly affected unrelated individuals (PMID: 19241098, 19396824). The variant has been observed in at least two similarly affected unrelated individuals (PMID: 19241098, 19396824, 25657822). Different missense changes at the same codon (p.Ile72Asn, p.Ile72Met) have been reported to be associated with CDKL5-related disorder (ClinVar ID: VCV000143797 /PMID: 16015284, 28074849). Therefore, this variant is classified as Pathogenic according to the recommendation of ACMG/AMP guideline.

Cytogénomique, Hospices Civils de Lyon
Classification: Pathogenic for Seizure. Last evaluated: 2025-03-06. Review status: criteria provided, single submitter. Criteria: ACMG Guidelines, 2015. Collection method: clinical testing. Allele origin: unknown. Affected: yes. Not counted in ClinVar's aggregate classification.

Centre for Population Genomics, CPG
Classification: Pathogenic for CDKL5 disorder. Last evaluated: 2024-07-23. Review status: criteria provided, single submitter. Criteria: McKnight et al. (Hum Mutat. 2022). Collection method: curation. Allele origin: germline. Inheritance: X-linked inheritance. Not counted in ClinVar's aggregate classification.
Comment: This variant has been collected from RettBASE and curated to current modified ACMG/AMP criteria. Based on the classification scheme defined by the ClinGen Rett/Angelman-like Expert Panel for Rett/AS-like Disorders Specifications to the ACMG/AMP Variant Interpretation Guidelines VCEP 3.0, this variant is classified as pathogenic. At least the following criteria are met: >=2 different missense variants in the same codon have been classified as pathogenic (PM5_Strong). Has been observed in at least 3 individuals with phenotypes consistent with CDKL5 disorder (PS4_Moderate). This variant has been identified as a de novo occurrence in an individual with CDKL5 disorder without confirmation of paternity and maternity (PM6). This variant is absent from gnomAD v4 (PM2_Supporting).

Labcorp Genetics (formerly Invitae), Labcorp
Classification: Pathogenic for Developmental and epileptic encephalopathy, 2; Angelman syndrome-like. Last evaluated: 2020-01-08. Review status: criteria provided, single submitter. Criteria: Invitae Variant Classification Sherloc (09022015). Collection method: clinical testing. Allele origin: germline. Not counted in ClinVar's aggregate classification.
Comment: This variant disrupts the p.Ile72 amino acid residue in CDKL5. Other variant(s) that disrupt this residue have been observed in individuals with CDKL5-related conditions (PMID: 28074849, 27779742, 16015284), which suggests that this may be a clinically significant amino acid residue. For these reasons, this variant has been classified as Pathogenic. This variant has been reported to affect CDKL5 protein function (PMID: 30266825). This variant has been observed in individual(s) with early infantile epileptic encephalopathy/West syndrome (PMID: 19396824). In at least one individual the variant was observed to be de novo. ClinVar contains an entry for this variant (Variation ID: 11503). This variant is not present in population databases (ExAC no frequency). This sequence change replaces isoleucine with threonine at codon 72 of the CDKL5 protein (p.Ile72Thr). The isoleucine residue is highly conserved and there is a moderate physicochemical difference between isoleucine and threonine.

GeneDx
Classification: Pathogenic. Last evaluated: 2019-07-30. Review status: criteria provided, single submitter. Criteria: GeneDx Variant Classification Process June 2021. Collection method: clinical testing. Allele origin: germline. Affected: yes. Not counted in ClinVar's aggregate classification.
Comment: Not observed in large population cohorts (Lek et al., 2016); In silico analysis, which includes protein predictors and evolutionary conservation, supports a deleterious effect; This variant is associated with the following publications: (PMID: 19396824, 19241098, 25657822, 29655203, 22779007, 22670135, 31313283, 31302675)

Eurofins Ntd Llc (ga)
Classification: Pathogenic. Last evaluated: 2015-03-10. Review status: criteria provided, single submitter. Criteria: EGL Classification Definitions. Collection method: clinical testing. Allele origin: germline. Observed: 1 variant allele, 1 heterozygote. Not counted in ClinVar's aggregate classification.

RettBASE
Classification: Pathogenic for Rett syndrome. Last evaluated: 2016-04-26. Review status: no assertion criteria provided. Collection method: research. Allele origin: de novo. Observed: 1 variant allele. Not counted in ClinVar's aggregate classification.

OMIM
Classification: Pathogenic for DEVELOPMENTAL AND EPILEPTIC ENCEPHALOPATHY 2. Last evaluated: 2009-05-01. Review status: no assertion criteria provided. Collection method: literature only. Allele origin: germline. Not counted in ClinVar's aggregate classification.

Literature cited by the submitters: PubMed 19396824 (cited by 4 submitters); PubMed 19241098 (cited by ClinGen Rett and Angelman-like Disorders Variant Curation Expert Panel and 3billion); PubMed 25657822 (cited by ClinGen Rett and Angelman-like Disorders Variant Curation Expert Panel and 3billion); PubMed 16015284 (cited by 3billion and Labcorp Genetics (formerly Invitae), Labcorp); PubMed 30266825 (cited by 3billion and Labcorp Genetics (formerly Invitae), Labcorp); PubMed 28074849 (cited by Labcorp Genetics (formerly Invitae), Labcorp); PubMed 27779742 (cited by Labcorp Genetics (formerly Invitae), Labcorp).